The following is an entry in ClinVar:

ClinVar aggregate classification (germline): Likely pathogenic (1 of 4 stars; one submission).

Conditions:
Autosomal dominant Alport syndrome (ATS3A). Also called: ALPORT SYNDROME 3A, AUTOSOMAL DOMINANT; Alport syndrome dominant type; Renal failure and sensorineural hearing loss. Identifiers: Orphanet 63, Orphanet 88918, MedGen C5882663, MONDO:0007086, OMIM 104200.

Submission:

MVZ Medizinische Genetik Mainz
Classification: Likely pathogenic for Autosomal dominant Alport syndrome. Last evaluated: 2022-03-10. Review status: criteria provided, single submitter. Criteria: UK Practice Guidelines For Variant Classification V4 01 2020. Collection method: clinical testing. Allele origin: germline. Inheritance: Autosomal recessive inheritance. Observed: 1 variant allele.
Comment: ACMG Criteria: PM1_STR, PM5_SUP, PM2_SUP, PM3_SUP, PP3, PP4 (ACMG Version 3)

NM_000091.5(COL4A3):c.1697G>A (p.Gly566Asp)

Genes: COL4A3 (collagen type IV alpha 3 chain; plus strand), MFF-DT (MFF divergent transcript; minus strand). Cytogenetic location: 2q36.3.
Variant type: single nucleotide variant.
Coding change: c.1697G>A on transcript NM_000091.5 (MANE Select); coding-DNA position 1697, G replaced by A.
Protein change: p.Gly566Asp; replaces glycine 566 with aspartic acid.
Molecular consequence: missense variant.
Genome position (GRCh38, 1-based): chr2:227,270,891, G>A. VCF-style: chr2-227270891-G-A. GRCh37 (hg19) VCF-style: chr2-228135607-G-A.
Other names: short protein forms G566D.
Identifiers: ClinVar variation 3068375 (VCV003068375.1), dbSNP rs2469684718, ClinGen allele CA350871849.